The following is an entry in ClinVar:

ClinVar aggregate classification (germline): Likely pathogenic (1 of 4 stars; one submission).

Submission:

Labcorp Genetics (formerly Invitae), Labcorp
Classification: Likely pathogenic. Last evaluated: 2024-09-29. Review status: criteria provided, single submitter. Criteria: Invitae Variant Classification Sherloc (09022015). Collection method: clinical testing. Allele origin: germline.
Comment: This sequence change affects an acceptor splice site in intron 3 of the DGUOK gene. It is expected to disrupt RNA splicing. Variants that disrupt the donor or acceptor splice site typically lead to a loss of protein function (PMID: 16199547), and loss-of-function variants in DGUOK are known to be pathogenic (PMID: 18205204). This variant is not present in population databases (gnomAD no frequency). This variant has not been reported in the literature in individuals affected with DGUOK-related conditions. Algorithms developed to predict the effect of sequence changes on RNA splicing suggest that this variant may disrupt the consensus splice site. In summary, the currently available evidence indicates that the variant is pathogenic, but additional data are needed to prove that conclusively. Therefore, this variant has been classified as Likely Pathogenic.

Literature cited by the submitters: PubMed 16199547; PubMed 18205204.

NM_080916.3(DGUOK):c.444-1G>A

Gene: DGUOK (deoxyguanosine kinase; plus strand). Cytogenetic location: 2p13.1.
Variant type: single nucleotide variant.
Coding change: c.444-1G>A on transcript NM_080916.3 (MANE Select); the canonical splice acceptor site of the intron before coding-DNA position 444, G replaced by A.
Molecular consequence: splice acceptor variant. On other transcripts: intron variant (2).
Genome position (GRCh38, 1-based): chr2:73,950,584, G>A. VCF-style: chr2-73950584-G-A. GRCh37 (hg19) VCF-style: chr2-74177711-G-A.
Other names: c.153-1G>A (NM_001318861.2, NM_001318860.2); c.135-1G>A (NM_001318862.2, NM_001318863.2); c.443+3678G>A (NM_080918.3); c.425+3696G>A (NM_001318859.2).
Identifiers: ClinVar variation 3721822 (VCV003721822.2).